The following is an entry in ClinVar:

ClinVar aggregate classification (germline): Uncertain significance. Review status: criteria provided, multiple submitters, no conflicts (2 of 4 stars). 2 submissions from 2 submitters: Uncertain significance (2). Last evaluated 2025-10-22.

Conditions:
Bardet-Biedl syndrome (BBS). Identifiers: Orphanet 110, MedGen C0752166, MONDO:0015229.

Allele frequency attached by ClinVar (database versions not stated): gnomAD exomes below 0.00001.
gnomAD v4.1: 1 of 1,613,682 alleles (0.000062%); highest among the groups gnomAD compares: Non-Finnish European, 0.000085%; no homozygotes.

Submissions (2):

Labcorp Genetics (formerly Invitae), Labcorp
Classification: Uncertain significance for Bardet-Biedl syndrome. Last evaluated: 2025-10-22. Review status: criteria provided, single submitter. Criteria: Invitae Variant Classification Sherloc (09022015). Collection method: clinical testing. Allele origin: germline.
Comment: This sequence change replaces glycine, which is neutral and non-polar, with glutamic acid, which is acidic and polar, at codon 253 of the BBS7 protein (p.Gly253Glu). This variant is not present in population databases (gnomAD no frequency). This missense change has been observed in individual(s) with Bardet-Biedl syndrome (PMID: 37431782). ClinVar contains an entry for this variant (Variation ID: 2498302). Invitae Evidence Modeling of protein sequence and biophysical properties (such as structural, functional, and spatial information, amino acid conservation, physicochemical variation, residue mobility, and thermodynamic stability) indicates that this missense variant is expected to disrupt BBS7 protein function with a positive predictive value of 80%. In summary, the available evidence is currently insufficient to determine the role of this variant in disease. Therefore, it has been classified as a Variant of Uncertain Significance.

SN ONGC Dept of Genetics and Molecular biology Vision Research Foundation
Classification: Uncertain significance for Bardet-Biedl syndrome. Last evaluated: 2023-06-02. Review status: criteria provided, single submitter. Criteria: ACMG Guidelines, 2015. Collection method: research. Allele origin: unknown. Affected: yes.

Literature cited by the submitters: PubMed 37431782 (cited by Labcorp Genetics (formerly Invitae), Labcorp).

NM_176824.3(BBS7):c.758G>A (p.Gly253Glu)

Gene: BBS7 (Bardet-Biedl syndrome 7; minus strand). Cytogenetic location: 4q27.
Variant type: single nucleotide variant.
Coding change: c.758G>A on transcript NM_176824.3 (MANE Select); coding-DNA position 758, G replaced by A.
Protein change: p.Gly253Glu; replaces glycine 253 with glutamic acid.
Molecular consequence: missense variant.
Genome position (GRCh38, 1-based): chr4:121,853,047, C>T on the plus strand (G>A on the coding strand, the complement: BBS7 is on the minus strand). VCF-style: chr4-121853047-C-T. GRCh37 (hg19) VCF-style: chr4-122774202-C-T.
Other names: c.758G>A, p.Gly253Glu (NM_018190.4); short protein forms G253E.
Identifiers: ClinVar variation 2498302 (VCV002498302.3), dbSNP rs2476523495, ClinGen allele CA358064551.